The following is an entry in ClinVar:

ClinVar aggregate classification (germline): Pathogenic (1 of 4 stars; one submission).

Conditions:
Hereditary cancer-predisposing syndrome. Also called: Hereditary neoplastic syndrome; Neoplastic Syndromes, Hereditary; Tumor predisposition; Hereditary Cancer Syndrome. Identifiers: Orphanet 140162, MedGen C0027672, MeSH D009386, MONDO:0015356.

Submission:

Ambry Genetics
Classification: Pathogenic for Hereditary cancer-predisposing syndrome. Last evaluated: 2021-10-14. Review status: criteria provided, single submitter. Criteria: Ambry Variant Classification Scheme 2023. Collection method: clinical testing. Allele origin: germline.
Comment: The c.7957_7960dupATTA pathogenic mutation, located in coding exon 53 of the ATM gene, results from a duplication of ATTA at nucleotide position 7957, causing a translational frameshift with a predicted alternate stop codon (p.T2654Nfs*3). This variant is considered to be rare based on population cohorts in the Genome Aggregation Database (gnomAD). This alteration is expected to result in loss of function by premature protein truncation or nonsense-mediated mRNA decay. As such, this alteration is interpreted as a disease-causing mutation.

NM_000051.4(ATM):c.7957_7960dup (p.Thr2654fs)

Genes: ATM (ATM serine/threonine kinase; plus strand), C11orf65 (chromosome 11 open reading frame 65; minus strand). Cytogenetic location: 11q22.3.
Variant type: Duplication.
Coding change: c.7957_7960dup on transcript NM_000051.4 (MANE Select); coding-DNA positions 7957 to 7960, 4 bases duplicated (ATTA; older notation c.7957_7960dupATTA).
Protein change: p.Thr2654fs; shifts the reading frame from threonine 2654.
Molecular consequence: frameshift variant. On other transcripts: intron variant (2).
Genome position (GRCh38, 1-based): chr11:108,333,915-108,333,918, ATTA duplicated; duplicating any 4 consecutive bases within chr11:108,333,914-108,333,918 gives the same sequence; the c. name uses the placement nearest the transcript's 3' end. VCF-style (leftmost placement, unchanged base first): chr11-108333913-C-CAATT. GRCh37 (hg19) VCF-style: chr11-108204640-C-CAATT.
Other names: c.7957_7960dupATTA (NM_000051.3); c.7957_7960dup, p.Thr2654fs (NM_001351834.2); c.641-24846_641-24843dup (NM_001330368.2); c.*38+1303_*38+1306dup (NM_001351110.2); short protein forms T2654fs.
Identifiers: ClinVar variation 1761371 (VCV001761371.2), dbSNP rs2547313740, ClinGen allele CA2580082991.
Genomic context (GRCh38, chr11:108,333,913, plus strand): 5'-TTGTCACTAAAATCTCTTCATTTTTAAATACAGAAGGCATAAATATTCCAGCAGACCAGC[C>CAATT]AATTACTAAACTTAAGAATTTAGAAGATGTTGTTGTCCCTACTATGGAAATTAAGGTAAT-3'